The following is an entry in ClinVar:

ClinVar aggregate classification (germline): Conflicting classifications of pathogenicity. Review status: criteria provided, conflicting classifications (1 of 4 stars). 2 submissions from 2 submitters: Uncertain significance (1); Likely benign (1). Last evaluated 2025-12-10.

Conditions:
Renal cell carcinoma. Identifiers: Orphanet 217071, MedGen C0007134, MeSH D002292, MONDO:0005086, HP:0005584.
Hereditary cancer-predisposing syndrome. Also called: Hereditary neoplastic syndrome; Tumor predisposition; Neoplastic Syndromes, Hereditary; Hereditary Cancer Syndrome. Identifiers: Orphanet 140162, MedGen C0027672, MeSH D009386, MONDO:0015356.

Allele frequency attached by ClinVar (database versions not stated): TOPMed below 0.00001.

Submissions (2):

Ambry Genetics
Classification: Likely benign for Hereditary cancer-predisposing syndrome. Last evaluated: 2025-12-10. Review status: criteria provided, single submitter. Criteria: Ambry Variant Classification Scheme 2023. Collection method: clinical testing. Allele origin: germline.

Labcorp Genetics (formerly Invitae), Labcorp
Classification: Uncertain significance for Renal cell carcinoma. Last evaluated: 2024-07-13. Review status: criteria provided, single submitter. Criteria: Invitae Variant Classification Sherloc (09022015). Collection method: clinical testing. Allele origin: germline.
Comment: This sequence change replaces tryptophan, which is neutral and slightly polar, with leucine, which is neutral and non-polar, at codon 758 of the MET protein (p.Trp758Leu). This variant is not present in population databases (gnomAD no frequency). This variant has not been reported in the literature in individuals affected with MET-related conditions. ClinVar contains an entry for this variant (Variation ID: 654537). An algorithm developed to predict the effect of missense changes on protein structure and function (PolyPhen-2) suggests that this variant is likely to be tolerated. In summary, the available evidence is currently insufficient to determine the role of this variant in disease. Therefore, it has been classified as a Variant of Uncertain Significance.

NM_000245.4(MET):c.2265-46G>T

Gene: MET (MET proto-oncogene, receptor tyrosine kinase; plus strand). Cytogenetic location: 7q31.2.
Variant type: single nucleotide variant.
Coding change: c.2265-46G>T on transcript NM_000245.4 (MANE Select); 46 bases into the intron before coding-DNA position 2265, G replaced by T.
Molecular consequence: intron variant. On other transcripts: missense variant (1).
Genome position (GRCh38, 1-based): chr7:116,759,345, G>T. VCF-style: chr7-116759345-G-T. GRCh37 (hg19) VCF-style: chr7-116399399-G-T.
Other names: c.2273G>T, p.Trp758Leu (NM_001127500.3); c.975-46G>T (NM_001324402.2); c.2265-46G>T (NM_001324401.3); short protein forms W758L.
Identifiers: ClinVar variation 654537 (VCV000654537.14), dbSNP rs1584943653, ClinGen allele CA368981522.
Genomic context (GRCh38, chr7:116,759,345, plus strand): 5'-GCCTCTGACCTGTAATCAGTGCAGGTGATTAAATTGAATCCCTCTCTTACAGTACTTGGT[G>T]GAAAGAACCTCTCAACATTGTCAGTTTTCTATTTTGCTTTGCCAGTGGTGGGAGCACAAT-3'